The following is an entry in ClinVar:

NM_001165963.4(SCN1A):c.4541T>G (p.Leu1514Ter)

Genes: SCN1A (sodium voltage-gated channel alpha subunit 1; minus strand), LOC102724058 (uncharacterized LOC102724058; plus strand). Cytogenetic location: 2q24.3.
Variant type: single nucleotide variant.
Coding change: c.4541T>G on transcript NM_001165963.4 (MANE Select); coding-DNA position 4541, T replaced by G.
Protein change: p.Leu1514Ter; replaces leucine 1514 with a stop codon.
Molecular consequence: nonsense. On other transcripts: non-coding transcript variant (1).
Genome position (GRCh38, 1-based): chr2:165,996,053, A>C on the plus strand (T>G on the coding strand, the complement: SCN1A is on the minus strand). VCF-style: chr2-165996053-A-C. GRCh37 (hg19) VCF-style: chr2-166852563-A-C.
Other names: c.4457T>G, p.Leu1486Ter (NM_001165964.3, NM_001353957.2, NM_001353958.2); c.4541T>G, p.Leu1514Ter (NM_001202435.3, NM_001353948.2); c.4508T>G, p.Leu1503Ter (NM_001353949.2, NM_001353950.2, NM_001353951.2 and 2 more transcripts); c.4505T>G, p.Leu1502Ter (NM_001353954.2, NM_001353955.2); c.4454T>G, p.Leu1485Ter (NM_001353960.2); c.2099T>G, p.Leu700Ter (NM_001353961.2); short protein forms L1503*, L1514*, L1485*, L1502*, L700*, L1486*.
Identifiers: ClinVar variation 582048 (VCV000582048.7), dbSNP rs121918764, ClinGen allele CA349048639.
Genomic context (GRCh38, chr2:165,996,053, plus strand): 5'-TATCATTTGATACTTCTTACTCCTGGTCGAGGTATAGGCTTTTGCGGTTTTTTCGATCCT[A>C]ATTTTTTCATTGCATTATAGTATTTCTTCTGTTCTTCTGTCATAAAGATGTCTTGACCTC-3'

ClinVar aggregate classification (germline): Pathogenic (1 of 4 stars; one submission).

Conditions:
Early-infantile DEE. Also called: Early infantile epileptic encephalopathy with suppression bursts; Early infantile epileptic encephalopathy; Ohtahara syndrome. Identifiers: Orphanet 1934, MedGen C0393706, MONDO:0800491.

Submission:

Labcorp Genetics (formerly Invitae), Labcorp
Classification: Pathogenic for Early-infantile DEE. Last evaluated: 2022-09-01. Review status: criteria provided, single submitter. Criteria: Invitae Variant Classification Sherloc (09022015). Collection method: clinical testing. Allele origin: germline.
Comment: For these reasons, this variant has been classified as Pathogenic. ClinVar contains an entry for this variant (Variation ID: 582048). This variant has not been reported in the literature in individuals affected with SCN1A-related conditions. This variant is not present in population databases (gnomAD no frequency). This sequence change creates a premature translational stop signal (p.Leu1514*) in the SCN1A gene. It is expected to result in an absent or disrupted protein product. Loss-of-function variants in SCN1A are known to be pathogenic (PMID: 17347258, 18930999).

Literature cited by the submitters: PubMed 17347258; PubMed 18930999.